The following is an entry in ClinVar:

ClinVar aggregate classification (germline): Uncertain significance (1 of 4 stars; one submission).

Conditions:
CEP164-related disorder. Also called: CEP164-related condition.

Submission:

PreventionGenetics, part of Exact Sciences
Classification: Uncertain significance for CEP164-related condition. Last evaluated: 2026-06-21. Review status: criteria provided, single submitter. Criteria: ACMG Guidelines, 2015. Collection method: clinical testing. Allele origin: germline.
Comment: The CEP164 c.484C>G variant is predicted to result in the amino acid substitution p.Arg162Gly. To our knowledge, this variant has not been reported in the literature or in a large population database (gnomAD), indicating this variant is rare. At this time, the clinical significance of this variant is uncertain due to the absence of conclusive functional and genetic evidence.

NM_014956.5(CEP164):c.484C>G (p.Arg162Gly)

Gene: CEP164 (centrosomal protein 164; plus strand). Cytogenetic location: 11q23.3.
Variant type: single nucleotide variant.
Coding change: c.484C>G on transcript NM_014956.5 (MANE Select); coding-DNA position 484, C replaced by G.
Protein change: p.Arg162Gly; replaces arginine 162 with glycine.
Molecular consequence: missense variant.
Genome position (GRCh38, 1-based): chr11:117,361,925, C>G. VCF-style: chr11-117361925-C-G. GRCh37 (hg19) VCF-style: chr11-117232641-C-G.
Other names: c.484C>G, p.Arg162Gly (NM_001271933.2, NM_001440949.1, NM_001440950.1 and 36 more transcripts); c.346C>G, p.Arg116Gly (NM_001440960.1); short protein forms R116G, R162G.
Identifiers: ClinVar variation 4992497 (VCV004992497.1).
Genomic context (GRCh38, chr11:117,361,925, plus strand): 5'-GTTCCTCTTGGGGGCCTGGCTCCTTTACGAGGTCTTGTGGATACCCCACCCTCTGCTCTT[C>G]GTGGATCTCAAAGCGTGAGCCTGGGGAGCTCAGTGGAGTCTGGACGTCAGCTTGGAGAAC-3'
Protein context (NP_055771.4, residues 152-172): GLVDTPPSAL[Arg162Gly]GSQSVSLGSS